The following is an entry in ClinVar:

ClinVar aggregate classification (germline): Likely pathogenic. Review status: criteria provided, single submitter (1 of 4 stars). 2 submissions from 2 submitters: Likely pathogenic (1). 1 of the submissions does not count toward it.

Conditions:
Nephrotic syndrome, type 9 (NPHS9). Identifiers: Orphanet 656, MedGen C3809965, MONDO:0014257, OMIM 615573.

Submissions (2):

Juno Genomics, Hangzhou Juno Genomics, Inc
Classification: Likely pathogenic for Nephrotic syndrome, type 9. Review status: criteria provided, single submitter. Criteria: ACMG Guidelines, 2015. Collection method: clinical testing. Allele origin: germline.
Comment: Absent from controls (or at extremely low frequency if recessive) in Genome Aggregation Database.;Multiple lines of computational evidence support a deleterious effect on the gene or gene product.;For recessive disorders, detected in trans with a pathogenic variant.;Patient's phenotype or family history is highly specific for a disease with a single genetic etiology.;Co-segregation with disease in multiple affected family members.;Novel missense change at an amino acid residue where a different missense change determined to be pathogenic has been seen before.

Indian Institute of Integrative Medicine, Council of Scientific and Industrial Research
Classification: Pathogenic for Nephrotic syndrome, type 9. Last evaluated: 2020-02-15. Review status: no assertion criteria provided. Collection method: research. Allele origin: germline. Inheritance: Autosomal recessive inheritance. Affected: yes. Observed: 4 variant alleles. Not counted in ClinVar's aggregate classification.
Comment: Candidate homozygous variant segregating well with the disease phenotype

A consanguineous second cousin family (n = 08) with 03 daughters (aged 16-23 years) affected with end-stage renal disorder. The sample from 07 individuals of the family was subjected to whole-exome sequencing (WES). We observed a rare pathogenic mutation (chr19:41209497C>T; NM_024876.4:c.748G>A; NP_079152.3:p.D250N) in the COQ8B (ADCK4) gene. The homozygous condition of the candidate variant segregating well with the disease phenotype in the family. In-silico evaluation of candidate variant using SIFT, PhyloPhen, Mutation taster provided the deleterious impact of the mutation and predicted to be the disease-causing in all of its coding transcripts. The variant characterized as heterozygous (carrier) among parents, homozygous in two cases and wild-type (reference allele) homozygous in the rest of three normal children.

Literature cited by the submitters: PMC 8233304 (cited by Indian Institute of Integrative Medicine, Council of Scientific and Industrial Research).

NM_024876.4(COQ8B):c.748G>A (p.Asp250Asn)

Gene: COQ8B (coenzyme Q8B; minus strand). Cytogenetic location: 19q13.2.
Variant type: single nucleotide variant.
Coding change: c.748G>A on transcript NM_024876.4 (MANE Select); coding-DNA position 748, G replaced by A.
Protein change: p.Asp250Asn; replaces aspartic acid 250 with asparagine.
Molecular consequence: missense variant.
Genome position (GRCh38, 1-based): chr19:40,703,592, C>T on the plus strand (G>A on the coding strand, the complement: COQ8B is on the minus strand). VCF-style: chr19-40703592-C-T. GRCh37 (hg19) VCF-style: chr19-41209497-C-T.
Other names: c.625G>A, p.Asp209Asn (NM_001142555.3); short protein forms D209N, D250N.
Identifiers: ClinVar variation 988900 (VCV000988900.6), dbSNP rs769834604, ClinGen allele CA9450293.